The following is an entry in ClinVar:

ClinVar aggregate classification (germline): Uncertain significance (1 of 4 stars; one submission).

Conditions:
Hereditary breast ovarian cancer syndrome. Also called: Hereditary breast and ovarian cancer syndrome (HBOC); Hereditary breast and ovarian cancer; Breast and ovarian cancer; Hereditary breast and/or ovarian cancer syndrome; BRCA1- and BRCA2-Associated Hereditary Breast and Ovarian Cancer; Hereditary breast and ovarian cancer syndrome. Identifiers: Orphanet 145, MedGen C0677776, MeSH D061325, MONDO:0003582. Disease mechanism: loss of function.

Submission:

Labcorp Genetics (formerly Invitae), Labcorp
Classification: Uncertain significance for Hereditary breast ovarian cancer syndrome. Last evaluated: 2025-10-07. Review status: criteria provided, single submitter. Criteria: Invitae Variant Classification Sherloc (09022015). Collection method: clinical testing. Allele origin: germline.
Comment: This sequence change replaces proline, which is neutral and non-polar, with leucine, which is neutral and non-polar, at codon 529 of the BRCA1 protein (p.Pro529Leu). This variant is not present in population databases (gnomAD no frequency). This variant has not been reported in the literature in individuals affected with BRCA1-related conditions. Invitae Evidence Modeling of protein sequence and biophysical properties (such as structural, functional, and spatial information, amino acid conservation, physicochemical variation, residue mobility, and thermodynamic stability) indicates that this missense variant is expected to disrupt BRCA1 protein function with a positive predictive value of 80%. In summary, the available evidence is currently insufficient to determine the role of this variant in disease. Therefore, it has been classified as a Variant of Uncertain Significance.

NM_007294.4(BRCA1):c.1586C>T (p.Pro529Leu)

Gene: BRCA1 (BRCA1 DNA repair associated; minus strand). Cytogenetic location: 17q21.31.
Variant type: single nucleotide variant.
Coding change: c.1586C>T on transcript NM_007294.4 (MANE Select); coding-DNA position 1586, C replaced by T.
Protein change: p.Pro529Leu; replaces proline 529 with leucine.
Molecular consequence: missense variant. On other transcripts: intron variant (137).
Genome position (GRCh38, 1-based): chr17:43,093,945, G>A on the plus strand (C>T on the coding strand, the complement: BRCA1 is on the minus strand). VCF-style: chr17-43093945-G-A. GRCh37 (hg19) VCF-style: chr17-41245962-G-A.
Other names: c.1322C>T, p.Pro441Leu (NM_001407935.1, NM_001407920.1, NM_001407921.1 and 9 more transcripts); c.1319C>T, p.Pro440Leu (NM_001407936.1, NM_001407930.1, NM_001407931.1 and 2 more transcripts); c.1463C>T, p.Pro488Leu (NM_001407937.1, NM_001407938.1, NM_001407939.1 and 19 more transcripts); c.1460C>T, p.Pro487Leu (NM_001407940.1, NM_001407941.1, NM_001407649.1 and 11 more transcripts); c.1445C>T, p.Pro482Leu (NM_001407942.1, NM_001407945.1, NM_001407944.1 and 29 more transcripts); c.1442C>T, p.Pro481Leu (NM_001407943.1, NM_001407740.1, NM_001407741.1 and 20 more transcripts); c.1253C>T, p.Pro418Leu (NM_001407946.1, NM_001407949.1, NM_001407947.1 and 6 more transcripts); c.1373C>T, p.Pro458Leu (NM_001407571.1, NM_001407853.1, NM_001407894.1 and 9 more transcripts); and 40 more; short protein forms P233L, P361L, P401L, P402L, P417L, P418L, P440L, P441L.
Identifiers: ClinVar variation 4800858 (VCV004800858.1).